The following is an entry in ClinVar:

NM_014956.5(CEP164):c.4164-4C>T

Gene: CEP164 (centrosomal protein 164; plus strand). Cytogenetic location: 11q23.3.
Variant type: single nucleotide variant.
Coding change: c.4164-4C>T on transcript NM_014956.5 (MANE Select); 4 bases into the intron before coding-DNA position 4164, C replaced by T.
Molecular consequence: intron variant.
Genome position (GRCh38, 1-based): chr11:117,411,791, C>T. VCF-style: chr11-117411791-C-T. GRCh37 (hg19) VCF-style: chr11-117282507-C-T.
Other names: c.4149-4C>T (NM_001271933.2); c.3981-4C>T (NM_001440972.1); c.4170-4C>T (NM_001440949.1); c.4002-4C>T (NM_001440967.1); c.4077-4C>T (NM_001440956.1); c.4164-4C>T (NM_001440950.1, NM_001440951.1); c.4140-4C>T (NM_001440953.1); c.4017-4C>T (NM_001440962.1, NM_001440963.1); and 21 more.
Identifiers: ClinVar variation 4995551 (VCV004995551.1).

ClinVar aggregate classification (germline): Likely benign (1 of 4 stars; one submission).

Conditions:
CEP164-related disorder. Also called: CEP164-related condition.

gnomAD v4.1: 1 of 1,614,108 alleles (0.000062%); highest among the groups gnomAD compares: East Asian, 0.0022%; no homozygotes.

Submission:

PreventionGenetics, part of Exact Sciences
Classification: Likely benign for CEP164-related condition. Last evaluated: 2026-08-06. Review status: criteria provided, single submitter. Criteria: ACMG Guidelines, 2015. Collection method: clinical testing. Allele origin: germline.
Comment: This variant is classified as likely benign based on ACMG/AMP sequence variant interpretation guidelines (Richards et al. 2015 PMID: 25741868, with internal and published modifications).